The following is an entry in ClinVar:

NM_032436.4(CHAMP1):c.2155A>G (p.Met719Val)

Gene: CHAMP1 (chromosome alignment maintaining phosphoprotein 1; plus strand). Cytogenetic location: 13q34.
Variant type: single nucleotide variant.
Coding change: c.2155A>G on transcript NM_032436.4 (MANE Select); coding-DNA position 2155, A replaced by G.
Protein change: p.Met719Val; replaces methionine 719 with valine.
Molecular consequence: missense variant.
Genome position (GRCh38, 1-based): chr13:114,325,997, A>G. VCF-style: chr13-114325997-A-G. GRCh37 (hg19) VCF-style: chr13-115091472-A-G.
Other names: c.2155A>G, p.Met719Val (NM_001164144.3, NM_001164145.3); short protein forms M719V.
Identifiers: ClinVar variation 5009234 (VCV005009234.1).

ClinVar aggregate classification (germline): Uncertain significance (1 of 4 stars; one submission).

Submission:

GeneDx
Classification: Uncertain significance. Last evaluated: 2026-03-15. Review status: criteria provided, single submitter. Criteria: GeneDx Variant Classification Process June 2021. Collection method: clinical testing. Allele origin: germline.
Comment: Not observed at significant frequency in large population cohorts (gnomAD); In silico analysis suggests that this missense variant does not alter protein structure/function; Has not been previously published as pathogenic or benign to our knowledge